The following is an entry in ClinVar:

ClinVar aggregate classification (germline): Benign/Likely benign. Review status: criteria provided, multiple submitters, no conflicts (2 of 4 stars). 3 submissions from 3 submitters: Benign (1); Likely benign (2). Last evaluated 2026-02-01.

Conditions:
Cone-rod synaptic disorder, congenital nonprogressive. Also called: NIGHT BLINDNESS, CONGENITAL STATIONARY, INCOMPLETE, AUTOSOMAL RECESSIVE. Identifiers: Orphanet 215, MedGen C4041558, MONDO:0012490, OMIM 610427.

Allele frequency attached by ClinVar (database versions not stated): ESP Exome Variant Server 0.00015; TOPMed 0.00024; gnomAD 0.00026 and 0.00037; gnomAD exomes 0.00063; ExAC 0.00077; 1000 Genomes Project 0.00100; 1000 Genomes Project 30x 0.00125.
gnomAD v4.1: 584 of 1,614,102 alleles (0.036%); highest among the groups gnomAD compares: South Asian, 0.42%; 4 homozygotes.

Submissions (3):

Labcorp Genetics (formerly Invitae), Labcorp
Classification: Benign. Last evaluated: 2026-02-01. Review status: criteria provided, single submitter. Criteria: Invitae Variant Classification Sherloc (09022015). Collection method: clinical testing. Allele origin: germline.

Blueprint Genetics
Classification: Likely benign. Last evaluated: 2024-05-08. Review status: criteria provided, single submitter. Criteria: ACMG Guidelines, 2015. Collection method: clinical testing. Allele origin: germline.

Illumina Laboratory Services, Illumina
Classification: Likely benign for Cone-rod synaptic disorder, congenital nonprogressive. Last evaluated: 2018-01-13. Review status: criteria provided, single submitter. Criteria: ICSL Variant Classification Criteria 13 December 2019. Collection method: clinical testing. Allele origin: germline.
Comment: This variant was observed in the ICSL laboratory as part of a predisposition screen in an ostensibly healthy population. It had not been previously curated by ICSL or reported in the Human Gene Mutation Database (HGMD: prior to June 1st, 2018), and was therefore a candidate for classification through an automated scoring system. Utilizing variant allele frequency, disease prevalence and penetrance estimates, and inheritance mode, an automated score was calculated to assess if this variant is too frequent to cause the disease. Based on the score and internal cut-off values, a variant classified as likely benign is not then subjected to further curation. The score for this variant resulted in a classification of likely benign for this disease.

NM_145200.5(CABP4):c.799+15C>T

Gene: CABP4 (calcium binding protein 4; plus strand). Cytogenetic location: 11q13.2.
Variant type: single nucleotide variant.
Coding change: c.799+15C>T on transcript NM_145200.5 (MANE Select); 15 bases into the intron after coding-DNA position 799, C replaced by T.
Molecular consequence: intron variant.
Genome position (GRCh38, 1-based): chr11:67,458,533, C>T. VCF-style: chr11-67458533-C-T. GRCh37 (hg19) VCF-style: chr11-67226004-C-T.
Other names: c.484+15C>T (NM_001379183.1, NM_001300896.3, NM_001300895.3).
Identifiers: ClinVar variation 305660 (VCV000305660.13), dbSNP rs374925466, ClinGen allele CA6140349.